The following is an entry in ClinVar:

NM_002951.5(RPN2):c.1771T>C (p.Tyr591His)

Gene: RPN2 (ribophorin II; plus strand). Cytogenetic location: 20q11.23.
Variant type: single nucleotide variant.
Coding change: c.1771T>C on transcript NM_002951.5 (MANE Select); coding-DNA position 1771, T replaced by C.
Protein change: p.Tyr591His; replaces tyrosine 591 with histidine.
Molecular consequence: missense variant.
Genome position (GRCh38, 1-based): chr20:37,236,597, T>C. VCF-style: chr20-37236597-T-C. GRCh37 (hg19) VCF-style: chr20-35865000-T-C.
Other names: c.1675T>C, p.Tyr559His (NM_001135771.3, NM_001324299.2, NM_001324302.2); c.1819T>C, p.Tyr607His (NM_001324301.2, NM_001324305.2); c.1771T>C, p.Tyr591His (NM_001324303.2, NM_001324304.2); c.1300T>C, p.Tyr434His (NM_001324306.2); short protein forms Y559H, Y607H, Y434H, Y591H.
Identifiers: ClinVar variation 2805763 (VCV002805763.3), dbSNP rs2515871105, ClinGen allele CA408851439.

ClinVar aggregate classification (germline): Uncertain significance (1 of 4 stars; one submission).

Conditions:
Congenital disorder of glycosylation (CDG). Also called: Congenital disorders of glycosylation; Carbohydrate-deficient glycoprotein syndrome. Identifiers: Orphanet 137, MedGen C0282577, MONDO:0015286.

Allele frequency attached by ClinVar (database versions not stated): gnomAD exomes below 0.00001.
gnomAD v4.1: 1 of 1,614,160 alleles (0.000062%); highest among the groups gnomAD compares: African/African-American, 0.0013%; no homozygotes.

Submission:

Labcorp Genetics (formerly Invitae), Labcorp
Classification: Uncertain significance for Congenital disorder of glycosylation. Last evaluated: 2024-08-30. Review status: criteria provided, single submitter. Criteria: Invitae Variant Classification Sherloc (09022015). Collection method: clinical testing. Allele origin: germline.
Comment: This sequence change replaces tyrosine, which is neutral and polar, with histidine, which is basic and polar, at codon 591 of the RPN2 protein (p.Tyr591His). This variant is not present in population databases (gnomAD no frequency). This variant has not been reported in the literature in individuals affected with RPN2-related conditions. An algorithm developed to predict the effect of missense changes on protein structure and function (PolyPhen-2) suggests that this variant is likely to be disruptive. In summary, the available evidence is currently insufficient to determine the role of this variant in disease. Therefore, it has been classified as a Variant of Uncertain Significance.